The following is an entry in ClinVar:

NM_144672.4(OTOA):c.3074A>C (p.Glu1025Ala)

Gene: OTOA (otoancorin). Cytogenetic location: 16p12.2.
Variant type: single nucleotide variant.
Coding change: c.3074A>C on transcript NM_144672.4 (MANE Select); coding-DNA position 3074, A replaced by C.
Protein change: p.Glu1025Ala; replaces glutamic acid 1025 with alanine.
Molecular consequence: missense variant.
Genome position (GRCh38, 1-based): chr16:21,753,045, A>C. VCF-style: chr16-21753045-A-C. GRCh37 (hg19) VCF-style: chr16-21764366-A-C.
Other names: c.2837A>C, p.Glu946Ala (NM_001161683.2); c.2102A>C, p.Glu701Ala (NM_170664.3); short protein forms E1025A, E701A, E946A.
Identifiers: ClinVar variation 1694789 (VCV001694789.31), dbSNP rs754742971, ClinGen allele CA7953039.

ClinVar aggregate classification (germline): Uncertain significance (1 of 4 stars; one submission).

Allele frequency attached by ClinVar (database versions not stated): ExAC 0.00006.

Submission:

CeGaT Center for Human Genetics Tuebingen
Classification: Uncertain significance. Last evaluated: 2026-06-01. Review status: criteria provided, single submitter. Criteria: CeGaT Center For Human Genetics Tuebingen Variant Classification Criteria Version 2. Collection method: clinical testing. Allele origin: germline. Affected: yes. Observed: 4 variant alleles.
Comment: OTOA: PM2